The following is an entry in ClinVar:

ClinVar aggregate classification (germline): Uncertain significance (1 of 4 stars; one submission).

Conditions:
DMAP1-related disorder.

Submission:

3billion
Classification: Uncertain significance for DMAP1-related disorder. Last evaluated: 2025-02-06. Review status: criteria provided, single submitter. Criteria: ACMG Guidelines, 2015. Collection method: clinical testing. Allele origin: germline. Affected: yes.
Comment: The variant is not observed in the gnomAD v4.1.0 dataset. Predicted Consequence/Location: Missense variant. The majority of the known disease-causing variants of this gene are variants expected to result in premature termination of the protein. In silico tool predictions suggest damaging effect of the variant on gene or gene product [3Cnet: 0.72 (>=0.6, sensitivity 0.72 and precision 0.9)]. Therefore, this variant is classified as VUS according to the recommendation of ACMG/AMP guideline.

NM_019100.5(DMAP1):c.799G>A (p.Asp267Asn)

Gene: DMAP1 (DNA methyltransferase 1 associated protein 1; plus strand). Cytogenetic location: 1p34.1.
Variant type: single nucleotide variant.
Coding change: c.799G>A on transcript NM_019100.5 (MANE Select); coding-DNA position 799, G replaced by A.
Protein change: p.Asp267Asn; replaces aspartic acid 267 with asparagine.
Molecular consequence: missense variant.
Genome position (GRCh38, 1-based): chr1:44,219,134, G>A. VCF-style: chr1-44219134-G-A. GRCh37 (hg19) VCF-style: chr1-44684806-G-A.
Other names: c.799G>A, p.Asp267Asn (NM_001034023.2, NM_001034024.2); short protein forms D267N.
Identifiers: ClinVar variation 4292815 (VCV004292815.1).